The following is an entry in ClinVar:

ClinVar aggregate classification (germline): Benign/Likely benign. Review status: criteria provided, multiple submitters, no conflicts (2 of 4 stars). 5 submissions from 5 submitters: Benign (4); Likely benign (1). Last evaluated 2026-02-04.

Conditions:
Spermatogenic failure 18. Identifiers: MedGen C4539783, MONDO:0054615, OMIM 617576.
Ciliary dyskinesia, primary, 37 (CILD37). Also called: CILIARY DYSKINESIA, PRIMARY, 37, WITH OR WITHOUT SITUS INVERSUS. Identifiers: MedGen C4539798, MONDO:0033204, OMIM 617577.

Allele frequency attached by ClinVar (database versions not stated): 1000 Genomes Project 30x 0.04747; 1000 Genomes Project 0.04832; TOPMed 0.08116; gnomAD 0.08189 and 0.08259; gnomAD exomes 0.08511; ExAC 0.08523; ESP Exome Variant Server 0.09119.
gnomAD v4.1: 177,230 of 1,613,830 alleles (11%); highest among the groups gnomAD compares: Non-Finnish European, 13%; 10,867 homozygotes.

Submissions (5):

Labcorp Genetics (formerly Invitae), Labcorp
Classification: Benign for Ciliary dyskinesia, primary, 37; Spermatogenic failure 18. Last evaluated: 2026-02-04. Review status: criteria provided, single submitter. Criteria: Invitae Variant Classification Sherloc (09022015). Collection method: clinical testing. Allele origin: germline.

Blueprint Genetics
Classification: Likely benign. Last evaluated: 2024-11-26. Review status: criteria provided, single submitter. Criteria: ACMG Guidelines, 2015. Collection method: clinical testing. Allele origin: germline.

GeneDx
Classification: Benign. Last evaluated: 2018-07-09. Review status: criteria provided, single submitter. Criteria: GeneDx Variant Classification Process June 2021. Collection method: clinical testing. Allele origin: germline. Affected: yes.

Laboratory for Molecular Medicine, Mass General Brigham Personalized Medicine
Classification: Benign. Last evaluated: 2016-03-29. Review status: criteria provided, single submitter. Criteria: LMM Criteria. Collection method: clinical testing. Allele origin: germline.
Comment: Variant identified in a genome or exome case(s) and assessed due to predicted null impact of the variant or pathogenic assertions in the literature or databases. Disclaimer: This variant has not undergone full assessment. The following are preliminary notes: Frequency

Breakthrough Genomics
Classification: Benign. Review status: criteria provided, single submitter. Criteria: ACMG Guidelines, 2015. Collection method: not provided. Allele origin: germline. Inheritance: Autosomal recessive inheritance. Affected: yes.

NM_015512.5(DNAH1):c.6139-15G>A

Gene: DNAH1 (dynein axonemal heavy chain 1; plus strand). Cytogenetic location: 3p21.1.
Variant type: single nucleotide variant.
Coding change: c.6139-15G>A on transcript NM_015512.5 (MANE Select); 15 bases into the intron before coding-DNA position 6139, G replaced by A.
Molecular consequence: intron variant.
Genome position (GRCh38, 1-based): chr3:52,370,095, G>A. VCF-style: chr3-52370095-G-A. GRCh37 (hg19) VCF-style: chr3-52404111-G-A.
Identifiers: ClinVar variation 402600 (VCV000402600.16), dbSNP rs746239, ClinGen allele CA2434428.